The following is an entry in ClinVar:

ClinVar aggregate classification (germline): Likely benign. Review status: criteria provided, multiple submitters, no conflicts (2 of 4 stars). 2 submissions from 2 submitters: Likely benign (2). Last evaluated 2026-07-28.

Conditions:
UTP4-related disorder. Also called: UTP4-related condition.

gnomAD v4.1: 18 of 1,614,058 alleles (0.0011%); highest among the groups gnomAD compares: Non-Finnish European, 0.0015%; no homozygotes.

Submissions (2):

PreventionGenetics, part of Exact Sciences
Classification: Likely benign for UTP4-related condition. Last evaluated: 2026-07-28. Review status: criteria provided, single submitter. Criteria: ACMG Guidelines, 2015. Collection method: clinical testing. Allele origin: germline.
Comment: This variant is classified as likely benign based on ACMG/AMP sequence variant interpretation guidelines (Richards et al. 2015 PMID: 25741868, with internal and published modifications).

Labcorp Genetics (formerly Invitae), Labcorp
Classification: Likely benign. Last evaluated: 2026-01-28. Review status: criteria provided, single submitter. Criteria: Invitae Variant Classification Sherloc (09022015). Collection method: clinical testing. Allele origin: germline.

NM_032830.3(UTP4):c.1593T>A (p.Ala531=)

Gene: UTP4 (UTP4 small subunit processome component). Cytogenetic location: 16q22.1.
Variant type: single nucleotide variant.
Coding change: c.1593T>A on transcript NM_032830.3 (MANE Select); coding-DNA position 1593, T replaced by A.
Protein change: p.Ala531=; no amino-acid change (alanine 531 retained).
Molecular consequence: synonymous variant.
Genome position (GRCh38, 1-based): chr16:69,163,124, T>A. VCF-style: chr16-69163124-T-A. GRCh37 (hg19) VCF-style: chr16-69197027-T-A.
Other names: c.1344T>A, p.Ala448= (NM_001318391.2); c.1593T>A (NM_032830.2).
Identifiers: ClinVar variation 4694104 (VCV004694104.2).